The following is an entry in ClinVar:

ClinVar aggregate classification (germline): Pathogenic (1 of 4 stars; one submission).

Conditions:
Kennedy disease (SMAX1). Also called: SPINAL AND BULBAR MUSCULAR ATROPHY, X-LINKED 1; KENNEDY SPINAL AND BULBAR MUSCULAR ATROPHY; Spinal and Bulbar Muscular Atrophy. Identifiers: Orphanet 481, MedGen C1839259, MONDO:0010735, OMIM 313200.
Androgen resistance syndrome (AIS). Also called: ANDROGEN RECEPTOR DEFICIENCY; DIHYDROTESTOSTERONE RECEPTOR DEFICIENCY; Androgen insensitivity; DHTR DEFICIENCY; TESTICULAR FEMINIZATION SYNDROME; Androgen insensitivity syndrome. Identifiers: Orphanet 754, Orphanet 99429, MedGen C0039585, MONDO:0019154, OMIM 300068. Disease mechanism: loss of function.

Submission:

Labcorp Genetics (formerly Invitae), Labcorp
Classification: Pathogenic for Kennedy disease; Androgen resistance syndrome. Last evaluated: 2021-11-04. Review status: criteria provided, single submitter. Criteria: Invitae Variant Classification Sherloc (09022015). Collection method: clinical testing. Allele origin: germline.
Comment: For these reasons, this variant has been classified as Pathogenic. This variant disrupts the p.Leu839 amino acid residue in AR. Other variant(s) that disrupt this residue have been observed in individuals with AR-related conditions (PMID: 20150575, 22412043), which suggests that this may be a clinically significant amino acid residue. Algorithms developed to predict the effect of missense changes on protein structure and function are either unavailable or do not agree on the potential impact of this missense change (SIFT: "Deleterious"; PolyPhen-2: "Probably Damaging"; Align-GVGD: "Class C0"). This missense change has been observed in individual(s) with clinical features of androgen insensitivity syndrome and/or clinical features of partial androgen insensitivity syndrome (PMID: 27403927; Invitae). In at least one individual the variant was observed to be de novo. This variant is not present in population databases (gnomAD no frequency). This sequence change replaces leucine, which is neutral and non-polar, with isoleucine, which is neutral and non-polar, at codon 839 of the AR protein (p.Leu839Ile).

Literature cited by the submitters: PubMed 20150575; PubMed 22412043; PubMed 27403927.

NM_000044.6(AR):c.2515C>A (p.Leu839Ile)

Gene: AR (androgen receptor; plus strand). Cytogenetic location: Xq12.
Variant type: single nucleotide variant.
Coding change: c.2515C>A on transcript NM_000044.6 (MANE Select); coding-DNA position 2515, C replaced by A.
Protein change: p.Leu839Ile; replaces leucine 839 with isoleucine.
Molecular consequence: missense variant.
Genome position (GRCh38, 1-based): chrX:67,722,892, C>A. VCF-style: chrX-67722892-C-A. GRCh37 (hg19) VCF-style: chrX-66942734-C-A.
Other names: c.919C>A, p.Leu307Ile (NM_001011645.3); short protein forms L839I, L307I.
Identifiers: ClinVar variation 1460367 (VCV001460367.6), dbSNP rs2147537918, ClinGen allele CA413427858.